The following is an entry in ClinVar:

ClinVar aggregate classification (germline): Uncertain significance. Review status: criteria provided, multiple submitters, no conflicts (2 of 4 stars). 2 submissions from 2 submitters: Uncertain significance (2). Last evaluated 2023-04-19.

Conditions:
Inborn genetic diseases. Identifiers: MedGen C0950123, MeSH D030342.

Allele frequency attached by ClinVar (database versions not stated): gnomAD exomes 0.00003 and 0.00008; ExAC 0.00007; ESP Exome Variant Server 0.00008; 1000 Genomes Project 30x 0.00016; 1000 Genomes Project 0.00020; gnomAD 0.00032; TOPMed 0.00036.
gnomAD v4.1: 101 of 1,613,834 alleles (0.0063%); highest among the groups gnomAD compares: African/African-American, 0.1%; no homozygotes.

Submissions (2):

Ambry Genetics
Classification: Uncertain significance for Inborn genetic diseases. Last evaluated: 2023-04-19. Review status: criteria provided, single submitter. Criteria: Ambry Variant Classification Scheme 2023. Collection method: clinical testing. Allele origin: germline.

Labcorp Genetics (formerly Invitae), Labcorp
Classification: Uncertain significance. Last evaluated: 2022-10-05. Review status: criteria provided, single submitter. Criteria: Invitae Variant Classification Sherloc (09022015). Collection method: clinical testing. Allele origin: germline.
Comment: This sequence change replaces lysine, which is basic and polar, with glutamine, which is neutral and polar, at codon 2567 of the PCLO protein (p.Lys2567Gln). This variant is present in population databases (rs370127362, gnomAD 0.09%). This variant has not been reported in the literature in individuals affected with PCLO-related conditions. ClinVar contains an entry for this variant (Variation ID: 1401104). Algorithms developed to predict the effect of missense changes on protein structure and function are either unavailable or do not agree on the potential impact of this missense change (SIFT: "Deleterious"; PolyPhen-2: "Not Available"; Align-GVGD: "Class C0"). Algorithms developed to predict the effect of sequence changes on RNA splicing suggest that this variant may create or strengthen a splice site. In summary, the available evidence is currently insufficient to determine the role of this variant in disease. Therefore, it has been classified as a Variant of Uncertain Significance.

NM_033026.6(PCLO):c.7699A>C (p.Lys2567Gln)

Gene: PCLO (piccolo presynaptic cytomatrix protein; minus strand). Cytogenetic location: 7q21.11.
Variant type: single nucleotide variant.
Coding change: c.7699A>C on transcript NM_033026.6 (MANE Select); coding-DNA position 7699, A replaced by C.
Protein change: p.Lys2567Gln; replaces lysine 2567 with glutamine.
Molecular consequence: missense variant.
Genome position (GRCh38, 1-based): chr7:82,953,254, T>G on the plus strand (A>C on the coding strand, the complement: PCLO is on the minus strand). VCF-style: chr7-82953254-T-G. GRCh37 (hg19) VCF-style: chr7-82582570-T-G.
Other names: c.7699A>C, p.Lys2567Gln (NM_014510.3); c.7699A>C (NM_033026.5); short protein forms K2567Q.
Identifiers: ClinVar variation 1401104 (VCV001401104.4), dbSNP rs370127362, ClinGen allele CA4320257.